The following is an entry in ClinVar:

NM_001318895.3(FHL2):c.678C>A (p.Asn226Lys)

Genes: C2orf49 (chromosome 2 open reading frame 49; plus strand), FHL2 (four and a half LIM domains 2; minus strand). Cytogenetic location: 2q12.2.
Variant type: single nucleotide variant.
Coding change: c.678C>A on transcript NM_001318895.3 (MANE Select); coding-DNA position 678, C replaced by A.
Protein change: p.Asn226Lys; replaces asparagine 226 with lysine.
Molecular consequence: missense variant.
Genome position (GRCh38, 1-based): chr2:105,363,295, G>T on the plus strand (C>A on the coding strand, the complement: FHL2 is on the minus strand). VCF-style: chr2-105363295-G-T. GRCh37 (hg19) VCF-style: chr2-105979752-G-T.
Other names: c.678C>A, p.Asn226Lys (NM_001039492.3, NM_001318894.1, NM_001318896.2 and 4 more transcripts); c.336C>A, p.Asn112Lys (NM_001318897.2, NM_001318898.2); c.354C>A, p.Asn118Lys (NM_001318899.2); short protein forms N226K, N118K, N112K.
Identifiers: ClinVar variation 179457 (VCV000179457.11), dbSNP rs137869171, ClinGen allele CA184453.

ClinVar aggregate classification (germline): Uncertain significance. Review status: criteria provided, multiple submitters, no conflicts (2 of 4 stars). 2 submissions from 2 submitters: Uncertain significance (2). Last evaluated 2024-08-05.

Conditions:
Primary dilated cardiomyopathy (DCM). Also called: Dilated Cardiomyopathy. Identifiers: Orphanet 217604, MedGen C0007193, MeSH D002311, MONDO:0005021, HP:0001644. Inheritance: Various modes of inheritance.

gnomAD v4.1: 25 of 1,614,134 alleles (0.0015%); highest among the groups gnomAD compares: Non-Finnish European, 0.0021%; no homozygotes.

Submissions (2):

Labcorp Genetics (formerly Invitae), Labcorp
Classification: Uncertain significance for Primary dilated cardiomyopathy. Last evaluated: 2024-08-05. Review status: criteria provided, single submitter. Criteria: Invitae Variant Classification Sherloc (09022015). Collection method: clinical testing. Allele origin: germline.
Comment: This sequence change replaces asparagine, which is neutral and polar, with lysine, which is basic and polar, at codon 226 of the FHL2 protein (p.Asn226Lys). This variant is not present in population databases (gnomAD no frequency). This variant has not been reported in the literature in individuals affected with FHL2-related conditions. ClinVar contains an entry for this variant (Variation ID: 179457). Advanced modeling of protein sequence and biophysical properties (such as structural, functional, and spatial information, amino acid conservation, physicochemical variation, residue mobility, and thermodynamic stability) performed at Invitae indicates that this missense variant is not expected to disrupt FHL2 protein function with a negative predictive value of 80%. In summary, the available evidence is currently insufficient to determine the role of this variant in disease. Therefore, it has been classified as a Variant of Uncertain Significance.

Laboratory for Molecular Medicine, Mass General Brigham Personalized Medicine
Classification: Uncertain significance. Last evaluated: 2013-12-26. Review status: criteria provided, single submitter. Criteria: LMM Criteria. Collection method: clinical testing. Allele origin: germline. Observed: 1 variant allele.
Comment: The Asn226Lys variant in FHL2 has not been reported in individuals with cardiomy opathy or in large population studies. Asparagine (Asn) at position 226 is not c onserved across evolutionarily distant species and 3 other species (tetradon, pu fferfish and lamprey) have a lysine (Lys, this change) at this position, raising the possibility that change at this position may be tolerated. Computational an alyses (biochemical amino acid properties, conservation, AlignGVGD, PolyPhen2, a nd SIFT) suggest that the Asn226Lys variant may not impact the protein, though t his information is not predictive enough to rule out pathogenicity. Additional i nformation is needed to fully assess the clinical significance of the Asn226Lys variant.